The following is an entry in ClinVar:

NM_014314.4(RIGI):c.546C>A (p.Phe182Leu)

Gene: RIGI (RNA sensor RIG-I; minus strand). Cytogenetic location: 9p21.1.
Variant type: single nucleotide variant.
Coding change: c.546C>A on transcript NM_014314.4 (MANE Select); coding-DNA position 546, C replaced by A.
Protein change: p.Phe182Leu; replaces phenylalanine 182 with leucine.
Molecular consequence: missense variant. On other transcripts: intron variant (1).
Genome position (GRCh38, 1-based): chr9:32,492,416, G>T on the plus strand (C>A on the coding strand, the complement: RIGI is on the minus strand). VCF-style: chr9-32492416-G-T. GRCh37 (hg19) VCF-style: chr9-32492414-G-T.
Other names: c.546C>A, p.Phe182Leu (NM_001385907.1, NM_001385909.1); c.105C>A, p.Phe35Leu (NM_001385910.1, NM_001385914.1); c.531C>A, p.Phe177Leu (NM_001385913.1); c.-38-996C>A (NM_001385912.1); short protein forms F177L, F35L, F182L.
Identifiers: ClinVar variation 1347234 (VCV001347234.8), dbSNP rs2118821539, ClinGen allele CA373163125.

ClinVar aggregate classification (germline): Uncertain significance (1 of 4 stars; one submission).

Submission:

Labcorp Genetics (formerly Invitae), Labcorp
Classification: Uncertain significance. Last evaluated: 2021-02-28. Review status: criteria provided, single submitter. Criteria: Invitae Variant Classification Sherloc (09022015). Collection method: clinical testing. Allele origin: germline.
Comment: This variant is not present in population databases (ExAC no frequency). This variant has not been reported in the literature in individuals with DDX58-related conditions. Algorithms developed to predict the effect of missense changes on protein structure and function output the following: SIFT: "Tolerated"; PolyPhen-2: "Benign"; Align-GVGD: "Class C0". The leucine amino acid residue is found in multiple mammalian species, suggesting that this missense change does not adversely affect protein function. These predictions have not been confirmed by published functional studies and their clinical significance is uncertain. In summary, the available evidence is currently insufficient to determine the role of this variant in disease. Therefore, it has been classified as a Variant of Uncertain Significance. This sequence change replaces phenylalanine with leucine at codon 182 of the DDX58 protein (p.Phe182Leu). The phenylalanine residue is moderately conserved and there is a small physicochemical difference between phenylalanine and leucine.